The following is an entry in ClinVar:

NM_015340.4(LARS2):c.428A>G (p.Asn143Ser)

Gene: LARS2 (leucyl-tRNA synthetase 2, mitochondrial; plus strand). Cytogenetic location: 3p21.31.
Variant type: single nucleotide variant.
Coding change: c.428A>G on transcript NM_015340.4 (MANE Select); coding-DNA position 428, A replaced by G.
Protein change: p.Asn143Ser; replaces asparagine 143 with serine.
Molecular consequence: missense variant.
Genome position (GRCh38, 1-based): chr3:45,417,546, A>G. VCF-style: chr3-45417546-A-G. GRCh37 (hg19) VCF-style: chr3-45459038-A-G.
Other names: c.428A>G, p.Asn143Ser (NM_001368263.1); short protein forms N143S.
Identifiers: ClinVar variation 2792739 (VCV002792739.3), dbSNP rs1698449994, ClinGen allele CA352976669.
Genomic context (GRCh38, chr3:45,417,546, plus strand): 5'-TCAACCCCATGGGATGGGATGCTTTTGGATTGCCTGCTGAAAATGCCGCAGTCGAGAGGA[A>G]TCTACATCCACAAAGTTGGACACAAAGGTAAGTGTTTACAGGCATATTCAAATACTTGCA-3'
Protein context (NP_056155.1, residues 133-153): LPAENAAVER[Asn143Ser]LHPQSWTQSN

ClinVar aggregate classification (germline): Uncertain significance (1 of 4 stars; one submission).

Allele frequency attached by ClinVar (database versions not stated): gnomAD exomes below 0.00001; gnomAD 0.00001; TOPMed 0.00001.
gnomAD v4.1: 4 of 1,613,736 alleles (0.00025%); highest among the groups gnomAD compares: Non-Finnish European, 0.00034%; no homozygotes.

Submission:

Labcorp Genetics (formerly Invitae), Labcorp
Classification: Uncertain significance. Last evaluated: 2024-07-13. Review status: criteria provided, single submitter. Criteria: Invitae Variant Classification Sherloc (09022015). Collection method: clinical testing. Allele origin: germline.
Comment: This sequence change replaces asparagine, which is neutral and polar, with serine, which is neutral and polar, at codon 143 of the LARS2 protein (p.Asn143Ser). This variant is not present in population databases (gnomAD no frequency). This variant has not been reported in the literature in individuals affected with LARS2-related conditions. Advanced modeling of protein sequence and biophysical properties (such as structural, functional, and spatial information, amino acid conservation, physicochemical variation, residue mobility, and thermodynamic stability) performed at Invitae indicates that this missense variant is not expected to disrupt LARS2 protein function with a negative predictive value of 80%. In summary, the available evidence is currently insufficient to determine the role of this variant in disease. Therefore, it has been classified as a Variant of Uncertain Significance.